The following is an entry in ClinVar:

NM_152564.5(VPS13B):c.11000G>A (p.Gly3667Asp)

Gene: VPS13B (vacuolar protein sorting 13 homolog B; plus strand). Cytogenetic location: 8q22.2.
Variant type: single nucleotide variant.
Coding change: c.11000G>A on transcript NM_152564.5 (MANE Select); coding-DNA position 11000, G replaced by A.
Protein change: p.Gly3667Asp; replaces glycine 3667 with aspartic acid.
Molecular consequence: missense variant.
Genome position (GRCh38, 1-based): chr8:99,859,436, G>A. VCF-style: chr8-99859436-G-A. GRCh37 (hg19) VCF-style: chr8-100871664-G-A.
Other names: c.11075G>A, p.Gly3692Asp (NM_017890.5); short protein forms G3667D, G3692D.
Identifiers: ClinVar variation 3349313 (VCV003349313.1).

ClinVar aggregate classification (germline): Uncertain significance (0 of 4 stars; one submission).

Conditions:
VPS13B-related disorder. Also called: VPS13B-related condition.

Submission:

PreventionGenetics, part of Exact Sciences
Classification: Uncertain significance for VPS13B-related condition. Last evaluated: 2023-11-22. Review status: no assertion criteria provided. Collection method: clinical testing. Allele origin: germline.
Comment: The VPS13B c.11000G>A variant is predicted to result in the amino acid substitution p.Gly3667Asp. To our knowledge, this variant has not been reported in the literature or in a large population database, indicating this variant is rare. At this time, the clinical significance of this variant is uncertain due to the absence of conclusive functional and genetic evidence.